The following is an entry in ClinVar:

ClinVar aggregate classification (germline): Benign (1 of 4 stars; one submission).

Allele frequency attached by ClinVar (database versions not stated): gnomAD 0.12552 and 0.12751; TOPMed 0.12932; 1000 Genomes Project 30x 0.13929; 1000 Genomes Project 0.14058.
gnomAD v4.1: 19,365 of 152,236 alleles (13%); highest among the groups gnomAD compares: East Asian, 19%; 1,260 homozygotes.

Submission:

GeneDx
Classification: Benign. Last evaluated: 2018-06-14. Review status: criteria provided, single submitter. Criteria: GeneDx Variant Classification (06012015). Collection method: clinical testing. Allele origin: germline. Affected: yes.
Comment: This variant is considered likely benign or benign based on one or more of the following criteria: it is a conservative change, it occurs at a poorly conserved position in the protein, it is predicted to be benign by multiple in silico algorithms, and/or has population frequency not consistent with disease.

NM_004544.4(NDUFA10):c.750-268T>C

Gene: NDUFA10 (NADH:ubiquinone oxidoreductase subunit A10; minus strand). Cytogenetic location: 2q37.3.
Variant type: single nucleotide variant.
Coding change: c.750-268T>C on transcript NM_004544.4 (MANE Select); 268 bases into the intron before coding-DNA position 750, T replaced by C.
Molecular consequence: intron variant.
Genome position (GRCh38, 1-based): chr2:240,007,638, A>G on the plus strand (T>C on the coding strand, the complement: NDUFA10 is on the minus strand). VCF-style: chr2-240007638-A-G. GRCh37 (hg19) VCF-style: chr2-240947055-A-G.
Other names: c.750-268T>C (NM_001322020.2, NM_001322019.2).
Identifiers: ClinVar variation 671405 (VCV000671405.1), dbSNP rs10196412, ClinGen allele CA15188740.